The following is an entry in ClinVar:

ClinVar aggregate classification (germline): Benign. Review status: criteria provided, single submitter (1 of 4 stars). 2 submissions from 2 submitters: Benign (1). 1 of the submissions does not count toward it. Last evaluated 2016-03-29.

Conditions:
BCLAF1-related disorder. Also called: BCLAF1-related condition.

Allele frequency attached by ClinVar (database versions not stated): ExAC 0.49764.

Submissions (2):

Laboratory for Molecular Medicine, Mass General Brigham Personalized Medicine
Classification: Benign. Last evaluated: 2016-03-29. Review status: criteria provided, single submitter. Criteria: LMM Criteria. Collection method: clinical testing. Allele origin: germline.
Comment: Variant identified in a genome or exome case(s) and assessed due to predicted null impact of the variant or pathogenic assertions in the literature or databases. Disclaimer: This variant has not undergone full assessment. The following are preliminary notes: Frequency (fails inbreeding filter)

PreventionGenetics, part of Exact Sciences
Classification: Benign for BCLAF1-related condition. Last evaluated: 2020-04-16. Review status: no assertion criteria provided. Collection method: clinical testing. Allele origin: germline. Not counted in ClinVar's aggregate classification.
Comment: This variant is classified as benign based on ACMG/AMP sequence variant interpretation guidelines (Richards et al. 2015 PMID: 25741868, with internal and published modifications).

NM_014739.3(BCLAF1):c.2663C>A (p.Thr888Asn)

Gene: BCLAF1 (BCL2 associated transcription factor 1; minus strand). Cytogenetic location: 6q23.3.
Variant type: single nucleotide variant.
Coding change: c.2663C>A on transcript NM_014739.3 (MANE Select); coding-DNA position 2663, C replaced by A.
Protein change: p.Thr888Asn; replaces threonine 888 with asparagine.
Molecular consequence: missense variant. On other transcripts: non-coding transcript variant (7).
Genome position (GRCh38, 1-based): chr6:136,261,359, G>T on the plus strand (C>A on the coding strand, the complement: BCLAF1 is on the minus strand). VCF-style: chr6-136261359-G-T. GRCh37 (hg19) VCF-style: chr6-136582497-G-T.
Other names: c.2510C>A, p.Thr837Asn (NM_001077440.3); c.2144C>A, p.Thr715Asn (NM_001077441.3, NM_001386702.1); c.2657C>A, p.Thr886Asn (NM_001301038.3); c.2516C>A, p.Thr839Asn (NM_001363659.3); c.2660C>A, p.Thr887Asn (NM_001386693.1); c.2513C>A, p.Thr838Asn (NM_001386694.1); c.2141C>A, p.Thr714Asn (NM_001386695.1); c.2138C>A, p.Thr713Asn (NM_001386696.1, NM_001386703.1); and 4 more; short protein forms T888N, T715N, T839N, T837N, T886N, T487N, T664N, T666N.
Identifiers: ClinVar variation 402420 (VCV000402420.6), dbSNP rs62431284, ClinGen allele CA4014050.
Genomic context (GRCh38, chr6:136,261,359, plus strand): 5'-TTATTTTCCATGGTCTCTTCTTCATCTTCAACAATCCCATCCCCTTGGTATTTGTCATGA[G>T]TCCATTTAGGACTGCTACCTGATTTTTTGAAGTTAAAGCGCCCTCTGCCACGTTGAAAAG-3'
Protein context (NP_055554.1, residues 878-898): FKKSGSSPKW[Thr888Asn]HDKYQGDGIV